The following is an entry in ClinVar:

NM_000246.4(CIITA):c.632C>A (p.Pro211His)

Gene: CIITA (class II major histocompatibility complex transactivator; plus strand). Cytogenetic location: 16p13.13.
Variant type: single nucleotide variant.
Coding change: c.632C>A on transcript NM_000246.4 (MANE Select); coding-DNA position 632, C replaced by A.
Protein change: p.Pro211His; replaces proline 211 with histidine.
Molecular consequence: missense variant. On other transcripts: non-coding transcript variant (1).
Genome position (GRCh38, 1-based): chr16:10,902,661, C>A. VCF-style: chr16-10902661-C-A. GRCh37 (hg19) VCF-style: chr16-10996518-C-A.
Other names: c.635C>A, p.Pro212His (NM_001286402.1, NM_001379332.1); c.485C>A, p.Pro162His (NM_001286403.2, NM_001379331.1); c.488C>A, p.Pro163His (NM_001379330.1); c.632C>A, p.Pro211His (NM_001379333.1); c.563C>A, p.Pro188His (NM_001379334.1); short protein forms P162H, P188H, P212H, P211H, P163H.
Identifiers: ClinVar variation 1460953 (VCV001460953.5), dbSNP rs2038865646, ClinGen allele CA394728518.

ClinVar aggregate classification (germline): Uncertain significance (1 of 4 stars; one submission).

Conditions:
MHC class II deficiency. Also called: BLS, TYPE II; Bare lymphocyte syndrome 2. Identifiers: Orphanet 572, MedGen C5447452, MONDO:0008855.

Submission:

Labcorp Genetics (formerly Invitae), Labcorp
Classification: Uncertain significance for MHC class II deficiency. Last evaluated: 2021-09-01. Review status: criteria provided, single submitter. Criteria: Invitae Variant Classification Sherloc (09022015). Collection method: clinical testing. Allele origin: germline.
Comment: This sequence change replaces proline with histidine at codon 211 of the CIITA protein (p.Pro211His). The proline residue is moderately conserved and there is a moderate physicochemical difference between proline and histidine. This variant is not present in population databases (ExAC no frequency). This variant has not been reported in the literature in individuals affected with CIITA-related conditions. Algorithms developed to predict the effect of missense changes on protein structure and function output the following: SIFT: "Deleterious"; PolyPhen-2: "Benign"; Align-GVGD: "Class C0". The histidine amino acid residue is found in multiple mammalian species, which suggests that this missense change does not adversely affect protein function. In summary, the available evidence is currently insufficient to determine the role of this variant in disease. Therefore, it has been classified as a Variant of Uncertain Significance.